The following is an entry in ClinVar:

ClinVar aggregate classification (germline): Benign. Review status: criteria provided, multiple submitters, no conflicts (2 of 4 stars). 4 submissions from 4 submitters: Benign (4). Last evaluated 2026-01-17.

Allele frequency attached by ClinVar (database versions not stated): gnomAD exomes 0.00065 and 0.00214; ExAC 0.00252; gnomAD 0.00810 and 0.00860; ESP Exome Variant Server 0.00934; 1000 Genomes Project 0.00958; TOPMed 0.00963; 1000 Genomes Project 30x 0.01077.
gnomAD v4.1: 2,197 of 1,575,392 alleles (0.14%); highest among the groups gnomAD compares: African/African-American, 2.7%; 36 homozygotes.

Submissions (5):

Labcorp Genetics (formerly Invitae), Labcorp
Classification: Benign. Last evaluated: 2026-01-17. Review status: criteria provided, single submitter. Criteria: Invitae Variant Classification Sherloc (09022015). Collection method: clinical testing. Allele origin: germline.

GeneDx
Classification: Benign. Last evaluated: 2018-03-05. Review status: criteria provided, single submitter. Criteria: GeneDx Variant Classification (06012015). Collection method: clinical testing. Allele origin: germline. Affected: yes.
Comment: This variant is considered likely benign or benign based on one or more of the following criteria: it is a conservative change, it occurs at a poorly conserved position in the protein, it is predicted to be benign by multiple in silico algorithms, and/or has population frequency not consistent with disease.

Laboratory for Molecular Medicine, Mass General Brigham Personalized Medicine
Classification: Benign. Last evaluated: 2017-08-23. Review status: criteria provided, single submitter. Criteria: LMM Criteria. Collection method: clinical testing. Allele origin: germline. Observed: 2 variant alleles.
Comment: p.Leu13Leu in exon 2 of SLITRK6: This variant is not expected to have clinical s ignificance because it does not alter an amino acid residue, is not located with in the splice consensus sequence, and has been identified in 2.83% (264/9342) of African chromosomes by the Exome Aggregation Consortium (ExAC; dbSNP rs74104527).

Breakthrough Genomics
Classification: Benign. Review status: criteria provided, single submitter. Criteria: ACMG Guidelines, 2015. Collection method: not provided. Allele origin: germline. Inheritance: Autosomal recessive inheritance. Affected: yes.

Dr. Peter K. Rogan Lab, Western University
No classification provided (evidence only). Condition: Uterine corpus endometrial carcinoma. Review status: no classification provided. Collection method: in vitro. Allele origin: not applicable. Functional consequence: retained intron. Not counted in ClinVar's aggregate classification.

NM_032229.3(SLITRK6):c.39T>A (p.Leu13=)

Gene: SLITRK6 (SLIT and NTRK like family member 6; minus strand). Cytogenetic location: 13q31.1.
Variant type: single nucleotide variant.
Coding change: c.39T>A on transcript NM_032229.3 (MANE Select); coding-DNA position 39, T replaced by A.
Protein change: p.Leu13=; no amino-acid change (leucine 13 retained).
Molecular consequence: synonymous variant.
Genome position (GRCh38, 1-based): chr13:85,796,470, A>T on the plus strand (T>A on the coding strand, the complement: SLITRK6 is on the minus strand). VCF-style: chr13-85796470-A-T. GRCh37 (hg19) VCF-style: chr13-86370605-A-T.
Identifiers: ClinVar variation 506094 (VCV000506094.17), dbSNP rs74104527, ClinGen allele CA7015341.